The following is an entry in ClinVar:

NM_001130009.3(GEN1):c.169T>C (p.Phe57Leu)

Gene: GEN1 (GEN1 Holliday junction 5' flap endonuclease; plus strand). Cytogenetic location: 2p24.2.
Variant type: single nucleotide variant.
Coding change: c.169T>C on transcript NM_001130009.3 (MANE Select); coding-DNA position 169, T replaced by C.
Protein change: p.Phe57Leu; replaces phenylalanine 57 with leucine.
Molecular consequence: missense variant.
Genome position (GRCh38, 1-based): chr2:17,761,403, T>C. VCF-style: chr2-17761403-T-C. GRCh37 (hg19) VCF-style: chr2-17942670-T-C.
Other names: c.169T>C, p.Phe57Leu (NM_182625.5); short protein forms F57L.
Identifiers: ClinVar variation 3853508 (VCV003853508.1).
Genomic context (GRCh38, chr2:17,761,403, plus strand): 5'-ACTTTTACTATCAGTGTTTGATGATTAATGTATTACTAATTTATATATTTCAGGAACTTA[T>C]TTTTTCGTATCTCATATTTAACACAAATGGATGTAAAACTGGTATTTGTTATGGAAGGGG-3'
Protein context (NP_001123481.3, residues 47-67): SVMKPHLRNL[Phe57Leu]FRISYLTQMD

ClinVar aggregate classification (germline): Uncertain significance (1 of 4 stars; one submission).

gnomAD v4.1: 6 of 1,562,592 alleles (0.00038%); highest among the groups gnomAD compares: Admixed American, 0.0035%; no homozygotes.

Submission:

Ambry Genetics
Classification: Uncertain significance. Last evaluated: 2025-01-14. Review status: criteria provided, single submitter. Criteria: Ambry Variant Classification Scheme 2023. Collection method: clinical testing. Allele origin: germline.
Comment: The p.F57L variant (also known as c.169T>C), located in coding exon 2 of the GEN1 gene, results from a T to C substitution at nucleotide position 169. The phenylalanine at codon 57 is replaced by leucine, an amino acid with highly similar properties. This amino acid position is conserved. In addition, this alteration is predicted to be deleterious by in silico analysis. Based on the available evidence, the clinical significance of this variant remains unclear.